The following is an entry in ClinVar:

NM_000051.4(ATM):c.7933A>G (p.Ile2645Val)

Genes: ATM (ATM serine/threonine kinase; plus strand), C11orf65 (chromosome 11 open reading frame 65; minus strand). Cytogenetic location: 11q22.3.
Variant type: single nucleotide variant.
Coding change: c.7933A>G on transcript NM_000051.4 (MANE Select); coding-DNA position 7933, A replaced by G.
Protein change: p.Ile2645Val; replaces isoleucine 2645 with valine.
Molecular consequence: missense variant. On other transcripts: intron variant (2).
Genome position (GRCh38, 1-based): chr11:108,333,891, A>G. VCF-style: chr11-108333891-A-G. GRCh37 (hg19) VCF-style: chr11-108204618-A-G.
Other names: c.7933A>G, p.Ile2645Val (NM_001351834.2); c.641-24820T>C (NM_001330368.2); c.*38+1329T>C (NM_001351110.2); short protein forms I2645V.
Identifiers: ClinVar variation 479000 (VCV000479000.28), dbSNP rs937831636, ClinGen allele CA228419730.

ClinVar aggregate classification (germline): Uncertain significance. Review status: criteria provided, multiple submitters, no conflicts (2 of 4 stars). 4 submissions from 4 submitters: Uncertain significance (3). 1 of the submissions does not count toward it. Last evaluated 2026-01-26.

Conditions:
Hereditary cancer-predisposing syndrome. Also called: Neoplastic Syndromes, Hereditary; Hereditary Cancer Syndrome; Tumor predisposition; Hereditary neoplastic syndrome. Identifiers: Orphanet 140162, MedGen C0027672, MeSH D009386, MONDO:0015356.
Ataxia-telangiectasia syndrome (AT). Also called: LOUIS-BAR SYNDROME; Cerebello-oculocutaneous telangiectasia; Immunodeficiency with ataxia telangiectasia; Ataxia-telangiectasia, complementation group D; AT, COMPLEMENTATION GROUP C; Ataxia-telangiectasia, complementation group E. Identifiers: Orphanet 100, MedGen C0004135, MONDO:0008840, OMIM 208900.

Allele frequency attached by ClinVar (database versions not stated): TOPMed below 0.00001.

Submissions (4):

Labcorp Genetics (formerly Invitae), Labcorp
Classification: Uncertain significance for Ataxia-telangiectasia syndrome. Last evaluated: 2026-01-26. Review status: criteria provided, single submitter. Criteria: Invitae Variant Classification Sherloc (09022015). Collection method: clinical testing. Allele origin: germline.
Comment: This sequence change replaces isoleucine, which is neutral and non-polar, with valine, which is neutral and non-polar, at codon 2645 of the ATM protein (p.Ile2645Val). This variant is not present in population databases (gnomAD no frequency). This variant has not been reported in the literature in individuals affected with ATM-related conditions. ClinVar contains an entry for this variant (Variation ID: 479000). Invitae Evidence Modeling of protein sequence and biophysical properties (such as structural, functional, and spatial information, amino acid conservation, physicochemical variation, residue mobility, and thermodynamic stability) indicates that this missense variant is not expected to disrupt ATM protein function with a negative predictive value of 95%. In summary, the available evidence is currently insufficient to determine the role of this variant in disease. Therefore, it has been classified as a Variant of Uncertain Significance.

Ambry Genetics
Classification: Uncertain significance for Hereditary cancer-predisposing syndrome. Last evaluated: 2024-10-29. Review status: criteria provided, single submitter. Criteria: Ambry Variant Classification Scheme 2023. Collection method: clinical testing. Allele origin: germline.
Comment: The p.I2645V variant (also known as c.7933A>G), located in coding exon 53 of the ATM gene, results from an A to G substitution at nucleotide position 7933. The isoleucine at codon 2645 is replaced by valine, an amino acid with highly similar properties. This amino acid position is highly conserved in available vertebrate species. In addition, the in silico prediction for this alteration is inconclusive. Based on the available evidence, the clinical significance of this variant remains unclear.

Color Diagnostics, LLC DBA Color Health
Classification: Uncertain significance for Hereditary cancer-predisposing syndrome. Last evaluated: 2023-12-05. Review status: criteria provided, single submitter. Criteria: ACMG Guidelines, 2015. Collection method: clinical testing. Allele origin: germline.
Comment: This missense variant replaces isoleucine with valine at codon 2645 of the ATM protein. Computational prediction suggests that this variant may not impact protein structure and function (internally defined REVEL score threshold <= 0.5, PMID: 27666373). To our knowledge, functional studies have not been reported for this variant. This variant has not been reported in individuals affected with ATM-related disorders in the literature. This variant has not been identified in the general population by the Genome Aggregation Database (gnomAD). The available evidence is insufficient to determine the role of this variant in disease conclusively. Therefore, this variant is classified as a Variant of Uncertain Significance.

Natera, Inc.
Classification: Uncertain significance for Ataxia-telangiectasia. Last evaluated: 2021-09-17. Review status: no assertion criteria provided. Collection method: clinical testing. Allele origin: germline. Not counted in ClinVar's aggregate classification.